The following is an entry in ClinVar:

NM_022436.3(ABCG5):c.1252G>A (p.Asp418Asn)

Genes: ABCG5 (ATP binding cassette subfamily G member 5; minus strand), DYNC2LI1 (dynein cytoplasmic 2 light intermediate chain 1; plus strand). Cytogenetic location: 2p21.
Variant type: single nucleotide variant.
Coding change: c.1252G>A on transcript NM_022436.3 (MANE Select); coding-DNA position 1252, G replaced by A.
Protein change: p.Asp418Asn; replaces aspartic acid 418 with asparagine.
Molecular consequence: missense variant. On other transcripts: intron variant (2).
Genome position (GRCh38, 1-based): chr2:43,823,985, C>T on the plus strand (G>A on the coding strand, the complement: ABCG5 is on the minus strand). VCF-style: chr2-43823985-C-T. GRCh37 (hg19) VCF-style: chr2-44051124-C-T.
Other names: c.*16-3401C>T (NM_001348913.2, NM_001348912.2); short protein forms D418N.
Identifiers: ClinVar variation 1761082 (VCV001761082.3), dbSNP rs1279466034, ClinGen allele CA346664184.

ClinVar aggregate classification (germline): Uncertain significance. Review status: criteria provided, multiple submitters, no conflicts (2 of 4 stars). 2 submissions from 2 submitters: Uncertain significance (2). Last evaluated 2024-06-19.

Conditions:
Cardiovascular phenotype. Identifiers: MedGen CN230736.

Allele frequency attached by ClinVar (database versions not stated): gnomAD exomes 0.00001; TOPMed 0.00001.
gnomAD v4.1: 4 of 1,614,186 alleles (0.00025%); highest among the groups gnomAD compares: Admixed American, 0.0017%; no homozygotes.

Submissions (2):

Blueprint Genetics
Classification: Uncertain significance. Last evaluated: 2024-06-19. Review status: criteria provided, single submitter. Criteria: ACMG Guidelines, 2015. Collection method: clinical testing. Allele origin: germline.

Ambry Genetics
Classification: Uncertain significance for Cardiovascular phenotype. Last evaluated: 2022-05-02. Review status: criteria provided, single submitter. Criteria: Ambry Variant Classification Scheme 2023. Collection method: clinical testing. Allele origin: germline.
Comment: The p.D418N variant (also known as c.1252G>A), located in coding exon 9 of the ABCG5 gene, results from a G to A substitution at nucleotide position 1252. The aspartic acid at codon 418 is replaced by asparagine, an amino acid with highly similar properties. This amino acid position is conserved. In addition, this alteration is predicted to be tolerated by in silico analysis. Since supporting evidence is limited at this time, the clinical significance of this alteration remains unclear.